The following is an entry in ClinVar:

NM_020971.3(SPTBN4):c.7388C>T (p.Pro2463Leu)

Gene: SPTBN4 (spectrin beta, non-erythrocytic 4; plus strand). Cytogenetic location: 19q13.2.
Variant type: single nucleotide variant.
Coding change: c.7388C>T on transcript NM_020971.3 (MANE Select); coding-DNA position 7388, C replaced by T.
Protein change: p.Pro2463Leu; replaces proline 2463 with leucine.
Molecular consequence: missense variant.
Genome position (GRCh38, 1-based): chr19:40,572,087, C>T. VCF-style: chr19-40572087-C-T. GRCh37 (hg19) VCF-style: chr19-41077993-C-T.
Other names: short protein forms P2463L.
Identifiers: ClinVar variation 2402834 (VCV002402834.3), dbSNP rs536527875, ClinGen allele CA9446959.

ClinVar aggregate classification (germline): Uncertain significance. Review status: criteria provided, multiple submitters, no conflicts (2 of 4 stars). 2 submissions from 2 submitters: Uncertain significance (2). Last evaluated 2023-11-30.

Conditions:
Inborn genetic diseases. Identifiers: MedGen C0950123, MeSH D030342.

Allele frequency attached by ClinVar (database versions not stated): gnomAD 0.00002; gnomAD exomes 0.00002; TOPMed 0.00002; ExAC 0.00003; 1000 Genomes Project 30x 0.00016; 1000 Genomes Project 0.00020.
gnomAD v4.1: 32 of 1,612,894 alleles (0.002%); highest among the groups gnomAD compares: South Asian, 0.011%; no homozygotes.

Submissions (2):

GeneDx
Classification: Uncertain significance. Last evaluated: 2023-11-30. Review status: criteria provided, single submitter. Criteria: GeneDx Variant Classification Process June 2021. Collection method: clinical testing. Allele origin: germline. Affected: yes.
Comment: In silico analysis supports that this missense variant does not alter protein structure/function; Has not been previously published as pathogenic or benign to our knowledge

Ambry Genetics
Classification: Uncertain significance for Inborn genetic diseases. Last evaluated: 2022-01-25. Review status: criteria provided, single submitter. Criteria: Ambry Variant Classification Scheme 2023. Collection method: clinical testing. Allele origin: germline.
Comment: The c.7388C>T (p.P2463L) alteration is located in exon 34 (coding exon 33) of the SPTBN4 gene. This alteration results from a C to T substitution at nucleotide position 7388, causing the proline (P) at amino acid position 2463 to be replaced by a leucine (L). Based on data from gnomAD, the T allele has an overall frequency of <0.01% (8/281512) total alleles studied. The highest observed frequency was 0.02% (5/30418) of South Asian alleles. This amino acid position is conserved in available mammalian species. This alteration is predicted to be tolerated by in silico analysis. Based on insufficient or conflicting evidence, the clinical significance of this alteration remains unclear.